The following is an entry in ClinVar:

ClinVar aggregate classification (germline): Uncertain significance. Review status: criteria provided, multiple submitters, no conflicts (2 of 4 stars). 3 submissions from 3 submitters: Uncertain significance (3). Last evaluated 2026-04-01.

Conditions:
Melanoma, cutaneous malignant, susceptibility to, 8. Also called: MELANOMA AND RENAL CELL CARCINOMA, SUSCEPTIBILITY TO; Cutaneous malignant melanoma 8. Identifiers: Orphanet 293822, MedGen C3152204, MONDO:0013759, OMIM 614456.
Tietz syndrome (TADS). Also called: HYPOPIGMENTATION/DEAFNESS OF TIETZ; TIETZ ALBINISM-DEAFNESS SYNDROME; ALBINISM-DEAFNESS OF TIETZ. Identifiers: Orphanet 42665, MedGen C0391816, MONDO:0007077, OMIM 103500.
Waardenburg syndrome type 2A (WS2A). Also called: WAARDENBURG SYNDROME WITHOUT DYSTOPIA CANTHORUM. Identifiers: Orphanet 3440, MedGen C1860339, MONDO:0008671, OMIM 193510.

Allele frequency attached by ClinVar (database versions not stated): gnomAD exomes below 0.00001; ExAC 0.00001; gnomAD 0.00001; TOPMed 0.00002; ESP Exome Variant Server 0.00008.
gnomAD v4.1: 10 of 1,614,058 alleles (0.00062%); highest among the groups gnomAD compares: Admixed American, 0.0033%; no homozygotes.

Submissions (3):

GeneDx
Classification: Uncertain significance. Last evaluated: 2026-04-01. Review status: criteria provided, single submitter. Criteria: GeneDx Variant Classification Process June 2021. Collection method: clinical testing. Allele origin: germline.
Comment: In silico analysis supports that this missense variant has a deleterious effect on protein structure/function; Has not been previously published as pathogenic or benign to our knowledge

St. Jude Molecular Pathology, St. Jude Children's Research Hospital
Classification: Uncertain significance for Melanoma, cutaneous malignant, susceptibility to, 8. Last evaluated: 2026-02-11. Review status: criteria provided, single submitter. Criteria: St. Jude Assertion Criteria 2020. Collection method: clinical testing. Allele origin: germline.
Comment: The MITF c.518C>T p.(Pro173Leu) missense change has a maximum population frequency of 0.002% in gnomAD v2.1.1. The in silico tool REVEL predicts a benign effect on protein function, but to our knowledge this prediction has not been confirmed by functional studies. To our knowledge, this variant has not been reported in the literature in individuals with melanoma or renal cell carcinoma. In summary, the evidence currently available is insufficient to determine the clinical significance of this variant. It has therefore been classified as of uncertain significance.

Labcorp Genetics (formerly Invitae), Labcorp
Classification: Uncertain significance for Melanoma, cutaneous malignant, susceptibility to, 8; Waardenburg syndrome type 2A; Tietz syndrome. Last evaluated: 2025-04-29. Review status: criteria provided, single submitter. Criteria: Invitae Variant Classification Sherloc (09022015). Collection method: clinical testing. Allele origin: germline.
Comment: This sequence change replaces proline, which is neutral and non-polar, with leucine, which is neutral and non-polar, at codon 66 of the MITF protein (p.Pro66Leu). The frequency data for this variant in the population databases is considered unreliable, as metrics indicate poor data quality at this position in the gnomAD database. This variant has not been reported in the literature in individuals affected with MITF-related conditions. ClinVar contains an entry for this variant (Variation ID: 2938245). Invitae Evidence Modeling of protein sequence and biophysical properties (such as structural, functional, and spatial information, amino acid conservation, physicochemical variation, residue mobility, and thermodynamic stability) indicates that this missense variant is not expected to disrupt MITF protein function with a negative predictive value of 80%. In summary, the available evidence is currently insufficient to determine the role of this variant in disease. Therefore, it has been classified as a Variant of Uncertain Significance.

NM_001354604.2(MITF):c.518C>T (p.Pro173Leu)

Gene: MITF (melanocyte inducing transcription factor; plus strand). Cytogenetic location: 3p13.
Variant type: single nucleotide variant.
Coding change: c.518C>T on transcript NM_001354604.2 (MANE Select); coding-DNA position 518, C replaced by T.
Protein change: p.Pro173Leu; replaces proline 173 with leucine.
Molecular consequence: missense variant. On other transcripts: intron variant (1).
Genome position (GRCh38, 1-based): chr3:69,937,985, C>T. VCF-style: chr3-69937985-C-T. GRCh37 (hg19) VCF-style: chr3-69987136-C-T.
Other names: c.197C>T, p.Pro66Leu (NM_000248.4, NM_001184968.2, NM_198158.3); c.362C>T, p.Pro121Leu (NM_001184967.2, NM_001354608.2); c.515C>T, p.Pro172Leu (NM_001354605.2, NM_001354606.2, NM_006722.3); c.467C>T, p.Pro156Leu (NM_001354607.2); c.518C>T, p.Pro173Leu (NM_198159.3); c.470C>T, p.Pro157Leu (NM_198177.3); c.93+104C>T (NM_198178.3); short protein forms P156L, P172L, P121L, P157L, P66L, P173L.
Identifiers: ClinVar variation 2938245 (VCV002938245.6), dbSNP rs141679911, ClinGen allele CA2490369.